The following is an entry in ClinVar:

ClinVar aggregate classification (germline): Uncertain significance (1 of 4 stars; one submission).

Conditions:
Familial cold autoinflammatory syndrome 4 (FCAS4). Identifiers: Orphanet 47045, Orphanet 576349, MedGen C4015276, MONDO:0014498, OMIM 616115.
Periodic fever-infantile enterocolitis-autoinflammatory syndrome. Also called: Autoinflammation with infantile enterocolitis. Identifiers: Orphanet 436166, MedGen C4015067, MONDO:0014472, OMIM 616050.

Submission:

Labcorp Genetics (formerly Invitae), Labcorp
Classification: Uncertain significance for Periodic fever-infantile enterocolitis-autoinflammatory syndrome; Familial cold autoinflammatory syndrome 4. Last evaluated: 2020-09-15. Review status: criteria provided, single submitter. Criteria: Invitae Variant Classification Sherloc (09022015). Collection method: clinical testing. Allele origin: germline.
Comment: In summary, the available evidence is currently insufficient to determine the role of this variant in disease. Therefore, it has been classified as a Variant of Uncertain Significance. Algorithms developed to predict the effect of missense changes on protein structure and function are either unavailable or do not agree on the potential impact of this missense change (SIFT: "Deleterious"; PolyPhen-2: "Possibly Damaging"; Align-GVGD: "Class C0"). This variant has not been reported in the literature in individuals with NLRC4-related conditions. This variant is not present in population databases (ExAC no frequency). This sequence change replaces aspartic acid with asparagine at codon 218 of the NLRC4 protein (p.Asp218Asn). The aspartic acid residue is highly conserved and there is a small physicochemical difference between aspartic acid and asparagine.

NM_001199138.2(NLRC4):c.652G>A (p.Asp218Asn)

Gene: NLRC4 (NLR family CARD domain containing 4; minus strand). Cytogenetic location: 2p22.3.
Variant type: single nucleotide variant.
Coding change: c.652G>A on transcript NM_001199138.2 (MANE Select); coding-DNA position 652, G replaced by A.
Protein change: p.Asp218Asn; replaces aspartic acid 218 with asparagine.
Molecular consequence: missense variant. On other transcripts: intron variant (1).
Genome position (GRCh38, 1-based): chr2:32,251,212, C>T on the plus strand (G>A on the coding strand, the complement: NLRC4 is on the minus strand). VCF-style: chr2-32251212-C-T. GRCh37 (hg19) VCF-style: chr2-32476281-C-T.
Other names: c.652G>A, p.Asp218Asn (NM_001199139.2, NM_021209.5); c.262+1207G>A (NM_001302504.1); short protein forms D218N.
Identifiers: ClinVar variation 1038799 (VCV001038799.8), dbSNP rs1687068928, ClinGen allele CA346514693.